The following is an entry in ClinVar:

ClinVar aggregate classification (germline): Uncertain significance. Review status: criteria provided, multiple submitters, no conflicts (2 of 4 stars). 2 submissions from 2 submitters: Uncertain significance (2). Last evaluated 2026-09-11.

Conditions:
INTS1-related disorder. Also called: INTS1-related condition.

Allele frequency attached by ClinVar (database versions not stated): gnomAD 0.00001; TOPMed 0.00003; ExAC 0.00005; 1000 Genomes Project 0.00020; 1000 Genomes Project 30x 0.00031.
gnomAD v4.1: 33 of 1,612,716 alleles (0.002%); highest among the groups gnomAD compares: Middle Eastern, 0.017%; no homozygotes.

Submissions (2):

GeneDx
Classification: Uncertain significance. Last evaluated: 2026-09-11. Review status: criteria provided, single submitter. Criteria: GeneDx Variant Classification Process June 2021. Collection method: clinical testing. Allele origin: germline.
Comment: In silico analysis suggests that this missense variant does not alter protein structure/function; Has not been previously published as pathogenic or benign to our knowledge

PreventionGenetics, part of Exact Sciences
Classification: Uncertain significance for INTS1-related condition. Last evaluated: 2026-05-06. Review status: criteria provided, single submitter. Criteria: ACMG Guidelines, 2015. Collection method: clinical testing. Allele origin: germline.
Comment: The INTS1 c.3563C>T variant is predicted to result in the amino acid substitution p.Ala1188Val. To our knowledge, this variant has not been reported in the literature. This variant is reported in 0.020% of alleles in individuals of South Asian descent in gnomAD. At this time, the clinical significance of this variant is uncertain due to the absence of conclusive functional and genetic evidence.

NM_001080453.3(INTS1):c.3563C>T (p.Ala1188Val)

Gene: INTS1 (integrator complex subunit 1; minus strand). Cytogenetic location: 7p22.3.
Variant type: single nucleotide variant.
Coding change: c.3563C>T on transcript NM_001080453.3 (MANE Select); coding-DNA position 3563, C replaced by T.
Protein change: p.Ala1188Val; replaces alanine 1188 with valine.
Molecular consequence: missense variant.
Genome position (GRCh38, 1-based): chr7:1,482,686, G>A on the plus strand (C>T on the coding strand, the complement: INTS1 is on the minus strand). VCF-style: chr7-1482686-G-A. GRCh37 (hg19) VCF-style: chr7-1522322-G-A.
Other names: c.80C>T, p.Ala27Val (NM_015674.1); short protein forms A1188V, A27V.
Identifiers: ClinVar variation 1810010 (VCV001810010.4), dbSNP rs543463656, ClinGen allele CA4119201.